The following is an entry in ClinVar:

ClinVar aggregate classification (germline): Uncertain significance (1 of 4 stars; one submission).

Allele frequency attached by ClinVar (database versions not stated): ExAC 0.00001; TOPMed 0.00002; gnomAD 0.00004.

Submission:

Athena Diagnostics
Classification: Uncertain significance. Last evaluated: 2024-10-18. Review status: criteria provided, single submitter. Criteria: Athena Diagnostics Criteria. Collection method: clinical testing. Allele origin: unknown.
Comment: Available data are insufficient to determine the clinical significance of the variant at this time. This variant is located in a genomic region of low or unreliable sequencing quality, and therefore estimations of its population frequency are uninformative in assessment of variant pathogenicity. In multiple individuals with non-classic congenital adrenal hyperplasia, this variant has been seen with a single recessive pathogenic variant in the same gene, suggesting this variant may also be pathogenic. In some published literature, this variant is referred to as p.F164V. Polyphen and MutationTaster predict this amino acid change may be damaging to the protein.

NM_000500.9(CYP21A2):c.493T>G (p.Phe165Val)

Genes: CYP21A2 (cytochrome P450 family 21 subfamily A member 2; plus strand), LOC106780800 (CYP21A2 recombination region; plus strand). Cytogenetic location: 6p21.33.
Variant type: single nucleotide variant.
Coding change: c.493T>G on transcript NM_000500.9 (MANE Select); coding-DNA position 493, T replaced by G.
Protein change: p.Phe165Val; replaces phenylalanine 165 with valine.
Molecular consequence: missense variant.
Genome position (GRCh38, 1-based): chr6:32,039,401, T>G. VCF-style: chr6-32039401-T-G. GRCh37 (hg19) VCF-style: chr6-32007178-T-G.
Other names: c.403T>G, p.Phe135Val (NM_001128590.4); c.88T>G, p.Phe30Val (NM_001368143.2, NM_001368144.2); short protein forms F135V, F165V, F30V.
Identifiers: ClinVar variation 1807428 (VCV001807428.2), dbSNP rs755674550, ClinGen allele CA3732414.